The following is an entry in ClinVar:

ClinVar aggregate classification (germline): Uncertain significance (1 of 4 stars; one submission).

Conditions:
Lipodystrophy - childhood onset.

Submission:

Cambridge Genomics Laboratory, East Genomic Laboratory Hub, NHS Genomic Medicine Service
Classification: Uncertain significance for Lipodystrophy - childhood onset. Last evaluated: 2025-01-23. Review status: criteria provided, single submitter. Criteria: ACGS Best Practice Guidelines for Variant Classification in Rare Disease 2020. Collection method: clinical testing. Allele origin: germline. Affected: yes.
Comment: PM2,PP2,PP3,PP4

NM_138711.6(PPARG):c.401G>C (p.Arg134Pro)

Gene: PPARG (peroxisome proliferator activated receptor gamma; plus strand). Cytogenetic location: 3p25.2.
Variant type: single nucleotide variant.
Coding change: c.401G>C on transcript NM_138711.6 (MANE Select); coding-DNA position 401, G replaced by C.
Protein change: p.Arg134Pro; replaces arginine 134 with proline.
Molecular consequence: missense variant. On other transcripts: 5 prime UTR variant (1).
Genome position (GRCh38, 1-based): chr3:12,392,624, G>C. VCF-style: chr3-12392624-G-C. GRCh37 (hg19) VCF-style: chr3-12434123-G-C.
Other names: c.401G>C, p.Arg134Pro (NM_001330615.4, NM_001354666.3, NM_001354667.3 and 6 more transcripts); c.491G>C, p.Arg164Pro (NM_001354668.2, NM_001374265.1, NM_015869.5); c.-27G>C (NM_001354669.2); c.407G>C, p.Arg136Pro (NM_001354670.2, NM_001374266.1); short protein forms R134P, R136P, R164P.
Identifiers: ClinVar variation 4682139 (VCV004682139.1).